The following is an entry in ClinVar:

ClinVar aggregate classification (germline): Conflicting classifications of pathogenicity. Review status: criteria provided, conflicting classifications (1 of 4 stars). 18 submissions from 18 submitters: Pathogenic (8); Likely pathogenic (8); Uncertain significance (1). 1 of the submissions does not count toward it. Last evaluated 2025-12-18.

Conditions:
EARS2-related disorder. Also called: EARS2-related condition; EARS2-related disorders.
Inborn genetic diseases. Identifiers: MedGen C0950123, MeSH D030342.
Leukoencephalopathy-thalamus and brainstem anomalies-high lactate syndrome. Also called: LEUKOENCEPHALOPATHY WITH THALAMUS AND BRAINSTEM INVOLVEMENT AND HIGH LACTATE; Combined oxidative phosphorylation deficiency 12. Identifiers: Orphanet 314051, MedGen C4706421, MONDO:0013971, OMIM 614924.

Allele frequency attached by ClinVar (database versions not stated): gnomAD 0.00025; TOPMed 0.00025; ESP Exome Variant Server 0.00033; ExAC 0.00037.
gnomAD v4.1: 496 of 1,607,912 alleles (0.031%); highest among the groups gnomAD compares: Non-Finnish European, 0.04%; no homozygotes.

Submissions 1 to 12 of 18:

PreventionGenetics, part of Exact Sciences
Classification: Likely pathogenic for EARS2-related condition. Last evaluated: 2025-12-18. Review status: criteria provided, single submitter. Criteria: ACMG Guidelines, 2015. Collection method: clinical testing. Allele origin: germline.
Comment: The EARS2 c.328G>A variant is predicted to result in the amino acid substitution p.Gly110Ser. This variant has been previously reported in the compound heterozygous state in patients who presented with leukoencephalopathy with thalamus and brainstem involvement or fatal neonatal lactic acidosis and recurrent hypoglycemia (Steenweg et al. 2012. PubMed ID: 22492562; Danhauser et al. 2016. PubMed ID: 26780086). Additionally, this variant was described, along with a second plausible causative variant, in a patient who presented with leukoencephalopathy, brain calcifications, and cysts; however, this patient also harbored biallelic causative variants in SNORD118 (McNeill et al. 2017. PubMed ID: 28748214). This variant is reported in 0.050% of alleles in individuals of European (Non-Finnish) descent in gnomAD. In summary, we classify this variant as likely pathogenic.

GeneDx
Classification: Likely pathogenic. Last evaluated: 2025-09-18. Review status: criteria provided, single submitter. Criteria: GeneDx Variant Classification Process June 2021. Collection method: clinical testing. Allele origin: germline. Affected: yes.
Comment: In silico analysis supports that this missense variant has a deleterious effect on protein structure/function; This variant is associated with the following publications: (PMID: 26741492, 26780086, 28748214, 26619324, 25854774, 25058219, 23008233, 31980526, 33128823, 22492562, 28748215, 33962821, 31520968, 39173847, 39533303)

Variantyx, Inc.
Classification: Pathogenic for Leukoencephalopathy-thalamus and brainstem anomalies-high lactate syndrome. Last evaluated: 2025-07-30. Review status: criteria provided, single submitter. Criteria: Variantyx Assertion Criteria 2022. Collection method: clinical testing. Allele origin: germline. Inheritance: Autosomal recessive inheritance.
Comment: This is a nonsynonymous variant in the EARS2 gene (OMIM: 612799). Pathogenic variants in this gene have been associated with autosomal recessive combined oxidative phosphorylation deficiency 12. This variant has been reported in the homozygous or compound heterozygous state in several unrelated affected individuals (PMID: 22492562, 26780086, 28748214, 31520968, 34018027) (PM3_Strong). Computational algorithms produce conflicting evidence regarding the predicted functional impact of this variant (REVEL score: 0.53), but functional studies have shown that this variant alters EARS2 protein function (PMID: 26780086, 28748214) (PS3). This variant has a 0.0397% maximum allele frequency in non-founder control populations (PM2). Based on the current evidence, this variant is classified as pathogenic for autosomal recessive combined oxidative phosphorylation deficiency 12.

Rady Children's Institute for Genomic Medicine, Rady Children's Hospital San Diego
Classification: Likely pathogenic for Combined oxidative phosphorylation deficiency 12. Last evaluated: 2025-02-18. Review status: criteria provided, single submitter. Criteria: ACMG Guidelines, 2015. Collection method: clinical testing. Allele origin: germline. Affected: yes.
Comment: Missense variation is a commonly reported mechanism of disease for EARS2-related disorders (PMID: 39173847, 32887222). This variant has been previously reported as a compound heterozygous change in patients with combined oxidative phosphorylation deficiency 12 (PMID: 22492562, 26780086, 31520968). The c.328G>A (p.Gly110Ser) variant affects a highly conserved amino acid; however, in silico tools used to predict the effect of this variant on protein function yield inconclusive results. Functional studies in patient-derived skin fibroblast demonstrated decreased EARS2 protein levels suggesting instability (PMID: 26780086). The c.328G>A (p.Gly110Ser) variant is present in the latest version of the gnomAD population database at an allele frequency of 0.03% (496/1607912). Based on the available evidence, c.328G>A (p.Gly110Ser) is classified as Likely Pathogenic.

Laboratory of Genetics, Children's Clinical University Hospital Latvia
Classification: Pathogenic. Last evaluated: 2025-02-16. Review status: criteria provided, single submitter. Criteria: ACMG Guidelines, 2015. Collection method: clinical testing. Allele origin: germline. Affected: yes.

Blueprint Genetics
Classification: Uncertain significance. Last evaluated: 2024-09-19. Review status: criteria provided, single submitter. Criteria: ACMG Guidelines, 2015. Collection method: clinical testing. Allele origin: germline.

Revvity Omics, Revvity
Classification: Likely pathogenic for Leukoencephalopathy-thalamus and brainstem anomalies-high lactate syndrome. Last evaluated: 2024-07-15. Review status: criteria provided, single submitter. Criteria: ACMG Guidelines, 2015. Collection method: clinical testing. Allele origin: germline.

Mayo Clinic Laboratories, Mayo Clinic
Classification: Pathogenic. Last evaluated: 2024-06-25. Review status: criteria provided, single submitter. Criteria: ACMG Guidelines, 2015. Collection method: clinical testing. Allele origin: germline. Observed: 1 variant allele.
Comment: PP4, PM1, PM2, PM3_strong, PS4_moderate

Labcorp Genetics (formerly Invitae), Labcorp
Classification: Pathogenic. Last evaluated: 2024-02-07. Review status: criteria provided, single submitter. Criteria: Invitae Variant Classification Sherloc (09022015). Collection method: clinical testing. Allele origin: germline.
Comment: This sequence change replaces glycine, which is neutral and non-polar, with serine, which is neutral and polar, at codon 110 of the EARS2 protein (p.Gly110Ser). This variant is present in population databases (rs201842633, gnomAD 0.05%). This missense change has been observed in individual(s) with combined oxidative phosphorylation deficiency (PMID: 22492562). In at least one individual the data is consistent with being in trans (on the opposite chromosome) from a pathogenic variant. ClinVar contains an entry for this variant (Variation ID: 39789). Advanced modeling of protein sequence and biophysical properties (such as structural, functional, and spatial information, amino acid conservation, physicochemical variation, residue mobility, and thermodynamic stability) performed at Invitae indicates that this missense variant is expected to disrupt EARS2 protein function with a positive predictive value of 95%. For these reasons, this variant has been classified as Pathogenic.

Baylor Genetics
Classification: Pathogenic for Leukoencephalopathy-thalamus and brainstem anomalies-high lactate syndrome. Last evaluated: 2023-10-13. Review status: criteria provided, single submitter. Criteria: ACMG Guidelines, 2015. Collection method: clinical testing. Allele origin: unknown.

Genetic Services Laboratory, University of Chicago
Classification: Likely pathogenic. Last evaluated: 2023-10-03. Review status: criteria provided, single submitter. Criteria: ACMG Guidelines, 2015. Collection method: clinical testing. Allele origin: germline. Affected: yes.
Comment: DNA sequence analysis of the EARS2 gene demonstrated a sequence change, c.328G>A, in exon 3 that results in an amino acid change, p.Gly110Ser. The p.Gly110Ser change affects a highly conserved amino acid residue located in a domain of the EARS2 protein that is known to be functional. In-silico pathogenicity prediction tools (SIFT, PolyPhen2, Align GVGD, REVEL) provide contradictory results for the p.Gly110Ser substitution. This sequence change has been observed in individuals with combined oxidative phosphorylation deficiency with varying levels of clinical severity (PMID: 22492562, 26780086, 31520968, 28748214). Experimental studies in individual-derived skin fibroblasts have demonstrated decreased EARS2 protein levels and evidence of mitochondrial dysfunction including increased reactive oxygen species (ROS) production and altered mitochondrial morphology (PMID: 26780086). This sequence change has been described in the gnomAD database with a frequency of 0.05% in the European subpopulation (dbSNP rs201842633). This sequence change likely pathogenic, however functional studies have not been performed to prove this conclusively. These collective evidences indicate that this sequence change is likely pathogenic.

Women's Health and Genetics/Laboratory Corporation of America, LabCorp
Classification: Likely pathogenic for Leukoencephalopathy-thalamus and brainstem anomalies-high lactate syndrome. Last evaluated: 2023-02-17. Review status: criteria provided, single submitter. Criteria: LabCorp Variant Classification Summary - May 2015. Collection method: clinical testing. Allele origin: germline.
Comment: Variant summary: EARS2 c.328G>A (p.Gly110Ser) results in a non-conservative amino acid change located in the Glutamyl/glutaminyl-tRNA synthetase, class Ib, catalytic domain (IPR020058) of the encoded protein sequence. Four of five in-silico tools predict a damaging effect of the variant on protein function. The variant allele was found at a frequency of 0.00026 in 234458 control chromosomes (gnomAD). c.328G>A has been reported in the literature in individuals affected with EARS2 related disorders (example: Steenweg_2012 , Danhauser_2016, McNeil_2017, Prasun_2019). These data indicate that the variant is likely to be associated with disease. Six clinical diagnostic laboratories have submitted clinical-significance assessments for this variant to ClinVar after 2014 and all classified the variant as pathogenic/likely pathogenic. Based on the evidence outlined above, the variant was classified as likely pathogenic.

NM_001083614.2(EARS2):c.328G>A (p.Gly110Ser)

Gene: EARS2 (glutamyl-tRNA synthetase 2, mitochondrial; minus strand). Cytogenetic location: 16p12.2.
Variant type: single nucleotide variant.
Coding change: c.328G>A on transcript NM_001083614.2 (MANE Select); coding-DNA position 328, G replaced by A.
Protein change: p.Gly110Ser; replaces glycine 110 with serine.
Molecular consequence: missense variant. On other transcripts: non-coding transcript variant (1).
Genome position (GRCh38, 1-based): chr16:23,544,671, C>T on the plus strand (G>A on the coding strand, the complement: EARS2 is on the minus strand). VCF-style: chr16-23544671-C-T. GRCh37 (hg19) VCF-style: chr16-23555992-C-T.
Other names: c.328G>A, p.Gly110Ser (NM_001308211.1); short protein forms G110S.
Identifiers: ClinVar variation 39789 (VCV000039789.36), dbSNP rs201842633, ClinGen allele CA130559.